The following is an entry in ClinVar:

NM_015122.3(FCHO1):c.1745G>A (p.Arg582His)

Gene: FCHO1 (FCH and mu domain containing endocytic adaptor 1; plus strand). Cytogenetic location: 19p13.11.
Variant type: single nucleotide variant.
Coding change: c.1745G>A on transcript NM_015122.3 (MANE Select); coding-DNA position 1745, G replaced by A.
Protein change: p.Arg582His; replaces arginine 582 with histidine.
Molecular consequence: missense variant. On other transcripts: non-coding transcript variant (36).
Genome position (GRCh38, 1-based): chr19:17,781,456, G>A. VCF-style: chr19-17781456-G-A. GRCh37 (hg19) VCF-style: chr19-17892265-G-A.
Other names: c.1745G>A, p.Arg582His (NM_001161357.2, NM_001161358.2, NM_001384370.1 and 13 more transcripts); c.1595G>A, p.Arg532His (NM_001161359.2, NM_001384384.1, NM_001384385.1 and 1 more transcripts); c.1706G>A, p.Arg569His (NM_001384388.1, NM_001384389.1, NM_001384405.1); c.1670G>A, p.Arg557His (NM_001384390.1); c.1628G>A, p.Arg543His (NM_001384392.1, NM_001384393.1, NM_001384394.1 and 1 more transcripts); c.1469G>A, p.Arg490His (NM_001384396.1, NM_001384397.1, NM_001384398.1 and 5 more transcripts); c.1424G>A, p.Arg475His (NM_001384403.1); c.1319G>A, p.Arg440His (NM_001384406.1); and 1 more; short protein forms R475H, R532H, R569H, R543H, R392H, R440H, R490H, R582H.
Identifiers: ClinVar variation 2596092 (VCV002596092.3), dbSNP rs774613898, ClinGen allele CA9300622.

ClinVar aggregate classification (germline): Uncertain significance. Review status: criteria provided, multiple submitters, no conflicts (2 of 4 stars). 2 submissions from 2 submitters: Uncertain significance (2). Last evaluated 2024-05-22.

Allele frequency attached by ClinVar (database versions not stated): TOPMed below 0.00001; ExAC 0.00001.
gnomAD v4.1: 17 of 1,613,990 alleles (0.0011%); highest among the groups gnomAD compares: Admixed American, 0.0083%; no homozygotes.

Submissions (2):

Labcorp Genetics (formerly Invitae), Labcorp
Classification: Uncertain significance. Last evaluated: 2024-05-22. Review status: criteria provided, single submitter. Criteria: Invitae Variant Classification Sherloc (09022015). Collection method: clinical testing. Allele origin: germline.
Comment: This sequence change replaces arginine, which is basic and polar, with histidine, which is basic and polar, at codon 582 of the FCHO1 protein (p.Arg582His). This variant is present in population databases (rs774613898, gnomAD 0.01%). This variant has not been reported in the literature in individuals affected with FCHO1-related conditions. ClinVar contains an entry for this variant (Variation ID: 2596092). Algorithms developed to predict the effect of missense changes on protein structure and function output the following: SIFT: "Not Available"; PolyPhen-2: "Benign"; Align-GVGD: "Not Available". The histidine amino acid residue is found in multiple mammalian species, which suggests that this missense change does not adversely affect protein function. In summary, the available evidence is currently insufficient to determine the role of this variant in disease. Therefore, it has been classified as a Variant of Uncertain Significance.

Ambry Genetics
Classification: Uncertain significance. Last evaluated: 2023-08-05. Review status: criteria provided, single submitter. Criteria: Ambry Variant Classification Scheme 2023. Collection method: clinical testing. Allele origin: germline.